The following is an entry in ClinVar:

NM_015335.5(MED13L):c.3380del (p.Asn1127fs)

Gene: MED13L (mediator complex subunit 13L; minus strand). Cytogenetic location: 12q24.21.
Variant type: Deletion.
Coding change: c.3380del on transcript NM_015335.5 (MANE Select); coding-DNA position 3380, one base deleted (A; older notation c.3380delA).
Protein change: p.Asn1127fs; shifts the reading frame from asparagine 1127.
Molecular consequence: frameshift variant.
Genome position (GRCh38, 1-based): chr12:115,991,574, T deleted on the plus strand (A on the coding strand, the reverse complement: MED13L is on the minus strand); the first of 3 consecutive T bases (chr12:115,991,574-115,991,576); deleting any one gives the same sequence. VCF-style (leftmost placement, unchanged base first): chr12-115991573-GT-G. GRCh37 (hg19) VCF-style: chr12-116429378-GT-G.
Other names: short protein forms N1127fs.
Identifiers: ClinVar variation 1687298 (VCV001687298.1), dbSNP rs2137306817, ClinGen allele CA2573147988.

ClinVar aggregate classification (germline): Likely pathogenic (1 of 4 stars; one submission).

Conditions:
Cardiac anomalies - developmental delay - facial dysmorphism syndrome (MRFACD). Also called: Impaired intellectual development and distinctive facial features with or without cardiac defects; MED13L Syndrome. Identifiers: Orphanet 369891, MedGen C5192431, MONDO:0014773, OMIM 616789.

Submission:

3billion
Classification: Likely pathogenic for Cardiac anomalies - developmental delay - facial dysmorphism syndrome. Last evaluated: 2022-05-22. Review status: criteria provided, single submitter. Criteria: ACMG Guidelines, 2015. Collection method: clinical testing. Allele origin: germline. Affected: yes. Observed: 1 heterozygote.
Comment: Frameshift: predicted to result in a loss or disruption of normal protein function through nonsense-mediated decay (NMD) or protein truncation. Multiple pathogenic variants are reported downstream of the variant. The variant is not observed in the gnomAD v2.1.1 dataset. Therefore, this variant is classified as likely pathogenic according to the recommendation of ACMG/AMP guideline.